The following is an entry in ClinVar:

ClinVar aggregate classification (germline): Uncertain significance (1 of 4 stars; one submission).

gnomAD v4.1: 1 of 1,597,076 alleles (0.000063%); highest among the groups gnomAD compares: East Asian, 0.0023%; no homozygotes.

Submission:

GeneDx
Classification: Uncertain significance. Last evaluated: 2023-07-07. Review status: criteria provided, single submitter. Criteria: GeneDx Variant Classification Process June 2021. Collection method: clinical testing. Allele origin: germline. Affected: yes.
Comment: Not observed at significant frequency in large population cohorts (gnomAD); In silico analysis supports that this missense variant does not alter protein structure/function; Has not been previously published as pathogenic or benign to our knowledge

NM_033056.4(PCDH15):c.5278C>G (p.Pro1760Ala)

Gene: PCDH15 (protocadherin related 15; minus strand). Cytogenetic location: 10q21.1.
Variant type: single nucleotide variant.
Coding change: c.5278C>G on transcript NM_033056.4 (MANE Plus Clinical); coding-DNA position 5278, C replaced by G.
Protein change: p.Pro1760Ala; replaces proline 1760 with alanine.
Molecular consequence: missense variant. On other transcripts: intron variant (8).
Genome position (GRCh38, 1-based): chr10:53,822,448, G>C on the plus strand (C>G on the coding strand, the complement: PCDH15 is on the minus strand). VCF-style: chr10-53822448-G-C. GRCh37 (hg19) VCF-style: chr10-55582208-G-C.
Other names: c.5299C>G, p.Pro1767Ala (NM_001142763.2); c.5284C>G, p.Pro1762Ala (NM_001142764.2); c.5071C>G, p.Pro1691Ala (NM_001142765.2); c.5269C>G, p.Pro1757Ala (NM_001142766.2); c.5158C>G, p.Pro1720Ala (NM_001142767.2); c.5218C>G, p.Pro1740Ala (NM_001142768.2); c.5209C>G, p.Pro1737Ala (NM_001142773.2); c.5212C>G, p.Pro1738Ala (NM_001354404.2); and 7 more; short protein forms P1691A, P1720A, P1737A, P1738A, P1740A, P1757A, P1760A, P1762A.
Identifiers: ClinVar variation 3342566 (VCV003342566.1).